The following is an entry in ClinVar:

ClinVar aggregate classification (germline): Uncertain significance. Review status: criteria provided, multiple submitters, no conflicts (2 of 4 stars). 2 submissions from 2 submitters: Uncertain significance (2). Last evaluated 2024-08-19.

Conditions:
Hereditary cancer-predisposing syndrome. Also called: Hereditary Cancer Syndrome; Neoplastic Syndromes, Hereditary; Tumor predisposition; Hereditary neoplastic syndrome. Identifiers: Orphanet 140162, MedGen C0027672, MeSH D009386, MONDO:0015356.
Neurofibromatosis, type 1 (NF1). Also called: Neurofibromatosis, type I; VON RECKLINGHAUSEN DISEASE; NEUROFIBROMATOSIS, TYPE I, SOMATIC; Peripheral type neurofibromatosis. Identifiers: Orphanet 636, MedGen C0027831, MONDO:0018975, OMIM 162200. Disease mechanism: loss of function.

Submissions (2):

Labcorp Genetics (formerly Invitae), Labcorp
Classification: Uncertain significance for Neurofibromatosis, type 1. Last evaluated: 2024-08-19. Review status: criteria provided, single submitter. Criteria: Invitae Variant Classification Sherloc (09022015). Collection method: clinical testing. Allele origin: germline.
Comment: This sequence change replaces glutamine, which is neutral and polar, with histidine, which is basic and polar, at codon 1017 of the NF1 protein (p.Gln1017His). This variant is not present in population databases (gnomAD no frequency). This variant has not been reported in the literature in individuals affected with NF1-related conditions. ClinVar contains an entry for this variant (Variation ID: 231704). Invitae Evidence Modeling of protein sequence and biophysical properties (such as structural, functional, and spatial information, amino acid conservation, physicochemical variation, residue mobility, and thermodynamic stability) indicates that this missense variant is not expected to disrupt NF1 protein function with a negative predictive value of 95%. In summary, the available evidence is currently insufficient to determine the role of this variant in disease. Therefore, it has been classified as a Variant of Uncertain Significance.

Ambry Genetics
Classification: Uncertain significance for Hereditary cancer-predisposing syndrome. Last evaluated: 2015-04-30. Review status: criteria provided, single submitter. Criteria: Ambry Autosomal Dominant and X-Linked criteria (10/2015). Collection method: clinical testing. Allele origin: germline. Observed: 1 variant allele.
Comment: The p.Q1017H variant (also known as c.3051A>C), located in coding exon 23 of the NF1 gene, results from an A to C substitution at nucleotide position 3051. The glutamine at codon 1017 is replaced by histidine, an amino acid with highly similar properties. This variant was not reported in population based cohorts in the following databases: Database of Single Nucleotide Polymorphisms (dbSNP), NHLBI Exome Sequencing Project (ESP), and 1000 Genomes Project. In the ESP, this variant was not observed in 6502 samples (13004 alleles) with coverage at this position. To date, this alteration has been detected with an allele frequency of approximately 0.002% (greater than 55000 alleles tested) in our clinical cohort. This amino acid position is highly conserved in available vertebrate species. In addition, this alteration is predicted to be possibly damaging and deleterious by PolyPhen and SIFT in silico analyses, respectively. Since supporting evidence is limited at this time, the clinical significance of p.Q1017H remains unclear.

NM_001042492.3(NF1):c.3051A>C (p.Gln1017His)

Gene: NF1 (neurofibromin 1; plus strand). Cytogenetic location: 17q11.2.
Variant type: single nucleotide variant.
Coding change: c.3051A>C on transcript NM_001042492.3 (MANE Select); coding-DNA position 3051, A replaced by C.
Protein change: p.Gln1017His; replaces glutamine 1017 with histidine.
Molecular consequence: missense variant.
Genome position (GRCh38, 1-based): chr17:31,230,320, A>C. VCF-style: chr17-31230320-A-C. GRCh37 (hg19) VCF-style: chr17-29557338-A-C.
Other names: c.3051A>C, p.Gln1017His (NM_000267.4); short protein forms Q1017H.
Identifiers: ClinVar variation 231704 (VCV000231704.8), dbSNP rs201891488, ClinGen allele CA10580273.